The following is an entry in ClinVar:

ClinVar aggregate classification (germline): Conflicting classifications of pathogenicity. Review status: criteria provided, conflicting classifications (1 of 4 stars). 2 submissions from 2 submitters: Uncertain significance (1); Likely benign (1). Last evaluated 2025-07-30.

Conditions:
Renal cell carcinoma. Identifiers: Orphanet 217071, MedGen C0007134, MeSH D002292, MONDO:0005086, HP:0005584.
Papillary renal cell carcinoma type 1 (RCCP1). Also called: Renal adenocarcinoma; Renal cell carcinoma 1; Renal cell carcinoma, somatic; RENAL CELL CARCINOMA, PAPILLARY, 1, SOMATIC. Identifiers: Orphanet 47044, MedGen C1336839, OMIM 605074, HP:0011797.

Submissions (2):

Labcorp Genetics (formerly Invitae), Labcorp
Classification: Uncertain significance for Renal cell carcinoma. Last evaluated: 2025-07-30. Review status: criteria provided, single submitter. Criteria: Invitae Variant Classification Sherloc (09022015). Collection method: clinical testing. Allele origin: germline.
Comment: This sequence change falls in intron 11 of the MET gene. It does not directly change the encoded amino acid sequence of the MET protein. It affects a nucleotide within the consensus splice site. The frequency data for this variant in the population databases is considered unreliable, as metrics indicate poor data quality at this position in the gnomAD database. This variant has not been reported in the literature in individuals affected with MET-related conditions. ClinVar contains an entry for this variant (Variation ID: 584716). Variants that disrupt the consensus splice site are a relatively common cause of aberrant splicing (PMID: 17576681, 9536098). Algorithms developed to predict the effect of sequence changes on RNA splicing suggest that this variant is not likely to affect RNA splicing. In summary, the available evidence is currently insufficient to determine the role of this variant in disease. Therefore, it has been classified as a Variant of Uncertain Significance.

Mendelics
Classification: Likely benign for Renal cell carcinoma, papillary, 1. Last evaluated: 2018-07-02. Review status: criteria provided, single submitter. Criteria: Mendelics Assertion Criteria 2017. Collection method: clinical testing. Allele origin: unknown.

Literature cited by the submitters: PubMed 17576681 (cited by Labcorp Genetics (formerly Invitae), Labcorp); PubMed 9536098 (cited by Labcorp Genetics (formerly Invitae), Labcorp).

NM_000245.4(MET):c.2584-3C>T

Gene: MET (MET proto-oncogene, receptor tyrosine kinase; plus strand). Cytogenetic location: 7q31.2.
Variant type: single nucleotide variant.
Coding change: c.2584-3C>T on transcript NM_000245.4 (MANE Select); 3 bases into the intron before coding-DNA position 2584, C replaced by T.
Molecular consequence: intron variant.
Genome position (GRCh38, 1-based): chr7:116,769,642, C>T. VCF-style: chr7-116769642-C-T. GRCh37 (hg19) VCF-style: chr7-116409696-C-T.
Other names: c.2638-3C>T (NM_001127500.3); c.1294-3C>T (NM_001324402.2); c.2584-3C>T (NM_001324401.3).
Identifiers: ClinVar variation 584716 (VCV000584716.5), dbSNP rs1337305891, ClinGen allele CA577680501.
Genomic context (GRCh38, chr7:116,769,642, plus strand): 5'-ATTGTTAGCATTCCTGCAGAACTGTGAAGTGTTAACAACCTTTTTTTTTTTTTTTCCTTT[C>T]AGGGAAATGATATTGACCCTGAAGCAGTTAAAGGTGAAGTGTTAAAAGTTGGAAATAAGA-3'